The following is an entry in ClinVar:

ClinVar aggregate classification (germline): Conflicting classifications of pathogenicity. Review status: criteria provided, conflicting classifications (1 of 4 stars). 3 submissions from 3 submitters: Uncertain significance (1); Benign (1); Likely benign (1). Last evaluated 2026-01-15.

Conditions:
Familial hypobetalipoproteinemia 1. Also called: Hypobetalipoproteinemia, normotriglyceridemic; Acanthocytosis with hypobetalipoproteinemia; APOB-Related Familial Hypobetalipoproteinemia. Identifiers: MedGen C4551990, MONDO:0014252, OMIM 615558.
Hypercholesterolemia, autosomal dominant, type B (FHCL2). Also called: Familial Hypercholesterolemia Type B; HYPERCHOLESTEROLEMIA, FAMILIAL, DUE TO LIGAND-DEFECTIVE APOLIPOPROTEIN B; Familial hypercholesterolemia 2; APOB-Related Familial Hypercholesterolemia, Autosomal Dominant; APOLIPOPROTEIN B-100, FAMILIAL DEFECTIVE; APOLIPOPROTEIN B-100, FAMILIAL LIGAND-DEFECTIVE. Identifiers: MedGen C1704417, MONDO:0007751, OMIM 144010.
Cardiovascular phenotype. Identifiers: MedGen CN230736.

Allele frequency attached by ClinVar (database versions not stated): 1000 Genomes Project 0.00020; 1000 Genomes Project 30x 0.00031; TOPMed 0.00037; ESP Exome Variant Server 0.00046.
gnomAD v4.1: 104 of 1,613,988 alleles (0.0064%); highest among the groups gnomAD compares: African/African-American, 0.13%; no homozygotes.

Submissions (3):

Labcorp Genetics (formerly Invitae), Labcorp
Classification: Likely benign for Familial hypobetalipoproteinemia 1; Hypercholesterolemia, autosomal dominant, type B. Last evaluated: 2026-01-15. Review status: criteria provided, single submitter. Criteria: Invitae Variant Classification Sherloc (09022015). Collection method: clinical testing. Allele origin: germline.

Ambry Genetics
Classification: Benign for Cardiovascular phenotype. Last evaluated: 2023-11-27. Review status: criteria provided, single submitter. Criteria: Ambry Variant Classification Scheme 2023. Collection method: clinical testing. Allele origin: germline.

Quest Diagnostics Nichols Institute San Juan Capistrano
Classification: Uncertain significance. Last evaluated: 2023-08-02. Review status: criteria provided, single submitter. Criteria: Quest Diagnostics criteria. Collection method: clinical testing. Allele origin: unknown.
Comment: To the best of our knowledge, this variant has not been reported in the published literature. The frequency of this variant in the general population, 0.0014 (35/24960 chromosomes in African/African American subpopulation (Genome Aggregation Database)), is higher than would generally be expected for pathogenic variants in this gene. Analysis of this variant using bioinformatics tools for the prediction of the effect of amino acid changes on protein structure and function yielded predictions that this variant is benign. Based on the available information, we are unable to determine the clinical significance of this variant.

NM_000384.3(APOB):c.9867C>A (p.Asp3289Glu)

Gene: APOB (apolipoprotein B; minus strand). Cytogenetic location: 2p24.1.
Variant type: single nucleotide variant.
Coding change: c.9867C>A on transcript NM_000384.3 (MANE Select); coding-DNA position 9867, C replaced by A.
Protein change: p.Asp3289Glu; replaces aspartic acid 3289 with glutamic acid.
Molecular consequence: missense variant.
Genome position (GRCh38, 1-based): chr2:21,007,001, G>T on the plus strand (C>A on the coding strand, the complement: APOB is on the minus strand). VCF-style: chr2-21007001-G-T. GRCh37 (hg19) VCF-style: chr2-21229873-G-T.
Other names: short protein forms D3289E.
Identifiers: ClinVar variation 925611 (VCV000925611.16), dbSNP rs72654404, ClinGen allele CA066909.